The following is an entry in ClinVar:

NM_001085411.3(NADK2):c.275T>G (p.Leu92Arg)

Genes: NADK2 (NAD kinase 2, mitochondrial; minus strand), LOC129993801 (ATAC-STARR-seq lymphoblastoid silent region 15972; plus strand). Cytogenetic location: 5p13.2.
Variant type: single nucleotide variant.
Coding change: c.275T>G on transcript NM_001085411.3 (MANE Select); coding-DNA position 275, T replaced by G.
Protein change: p.Leu92Arg; replaces leucine 92 with arginine.
Molecular consequence: missense variant. On other transcripts: intron variant (2).
Genome position (GRCh38, 1-based): chr5:36,241,524, A>C on the plus strand (T>G on the coding strand, the complement: NADK2 is on the minus strand). VCF-style: chr5-36241524-A-C. GRCh37 (hg19) VCF-style: chr5-36241626-A-C.
Other names: c.-190+572T>G (NM_153013.5, NM_001287341.2); short protein forms L92R.
Identifiers: ClinVar variation 4745346 (VCV004745346.1).

ClinVar aggregate classification (germline): Uncertain significance (1 of 4 stars; one submission).

Conditions:
Progressive encephalopathy with leukodystrophy due to DECR deficiency. Identifiers: Orphanet 431361, MedGen C1857252, MONDO:0014464, OMIM 616034.

Submission:

Labcorp Genetics (formerly Invitae), Labcorp
Classification: Uncertain significance for Progressive encephalopathy with leukodystrophy due to DECR deficiency. Last evaluated: 2025-03-19. Review status: criteria provided, single submitter. Criteria: Invitae Variant Classification Sherloc (09022015). Collection method: clinical testing. Allele origin: germline.
Comment: This sequence change replaces leucine, which is neutral and non-polar, with arginine, which is basic and polar, at codon 92 of the NADK2 protein (p.Leu92Arg). This variant is not present in population databases (gnomAD no frequency). This variant has not been reported in the literature in individuals affected with NADK2-related conditions. Invitae Evidence Modeling of protein sequence and biophysical properties (such as structural, functional, and spatial information, amino acid conservation, physicochemical variation, residue mobility, and thermodynamic stability) indicates that this missense variant is not expected to disrupt NADK2 protein function with a negative predictive value of 80%. In summary, the available evidence is currently insufficient to determine the role of this variant in disease. Therefore, it has been classified as a Variant of Uncertain Significance.